The following is an entry in ClinVar:

ClinVar aggregate classification (germline): Benign/Likely benign. Review status: criteria provided, multiple submitters, no conflicts (2 of 4 stars). 8 submissions from 8 submitters: Benign (1); Likely benign (6). 1 of the submissions does not count toward it. Last evaluated 2026-06-01.

Conditions:
FBN2-related disorder. Also called: FBN2-related condition.
Familial thoracic aortic aneurysm and aortic dissection (TAAD). Also called: Thoracic aortic aneurysms and dissections. Identifiers: Orphanet 91387, MedGen C4707243, MONDO:0019625.
Congenital contractural arachnodactyly (CCA). Also called: BEALS SYNDROME; Beals-Hecht syndrome; Arthrogryposis, distal, type 9. Identifiers: Orphanet 115, MedGen C0220668, MONDO:0007363, OMIM 121050.

Allele frequency attached by ClinVar (database versions not stated): ESP Exome Variant Server 0.00015; 1000 Genomes Project 30x 0.00016; TOPMed 0.00018; 1000 Genomes Project 0.00020.
gnomAD v4.1: 607 of 1,614,066 alleles (0.038%); highest among the groups gnomAD compares: Non-Finnish European, 0.035%; 1 homozygote.

Submissions (8):

CeGaT Center for Human Genetics Tuebingen
Classification: Likely benign. Last evaluated: 2026-06-01. Review status: criteria provided, single submitter. Criteria: CeGaT Center For Human Genetics Tuebingen Variant Classification Criteria Version 2. Collection method: clinical testing. Allele origin: germline. Affected: yes. Observed: 1 variant allele.
Comment: FBN2: BS1

Labcorp Genetics (formerly Invitae), Labcorp
Classification: Likely benign for Congenital contractural arachnodactyly. Last evaluated: 2026-01-11. Review status: criteria provided, single submitter. Criteria: Invitae Variant Classification Sherloc (09022015). Collection method: clinical testing. Allele origin: germline.

Women's Health and Genetics/Laboratory Corporation of America, LabCorp
Classification: Likely benign. Last evaluated: 2025-06-27. Review status: criteria provided, single submitter. Criteria: LabCorp Variant Classification Summary - May 2015. Collection method: clinical testing. Allele origin: germline.
Comment: Variant summary: FBN2 c.7418G>T (p.Arg2473Leu) results in a non-conservative amino acid change located in the EGF-like domain (IPR000742) of the encoded protein sequence. Algorithms developed to predict the effect of missense changes on protein structure and function all suggest that this variant is likely to be disruptive. The variant allele was found at a frequency of 0.00043 in 251156 control chromosomes. The observed variant frequency is approximately 340-fold of the estimated maximal expected allele frequency for a pathogenic variant in FBN2 causing Aortopathy phenotype (1.3e-06), strongly suggesting the variant is benign. c.7418G>T has been reported as a likely benign change in individuals affected with Marfan and Marfan-like syndromes (e.g. Wooderchak-Donahue_2015). These report(s) do not provide unequivocal conclusions about association of the variant with Aortopathy. To our knowledge, no experimental evidence demonstrating an impact on protein function has been reported. The following publication have been ascertained in the context of this evaluation (PMID: 25944730). ClinVar contains an entry for this variant (Variation ID: 213427). Based on the evidence outlined above, the variant was classified as likely benign.

Mayo Clinic Laboratories, Mayo Clinic
Classification: Likely benign. Last evaluated: 2025-06-04. Review status: criteria provided, single submitter. Criteria: ACMG Guidelines, 2015. Collection method: clinical testing. Allele origin: germline. Observed: 1 variant allele.
Comment: BS1, PP3_moderate

Blueprint Genetics
Classification: Benign. Last evaluated: 2024-07-02. Review status: criteria provided, single submitter. Criteria: ACMG Guidelines, 2015. Collection method: clinical testing. Allele origin: germline.

GeneDx
Classification: Likely benign. Last evaluated: 2023-11-01. Review status: criteria provided, single submitter. Criteria: GeneDx Variant Classification Process June 2021. Collection method: clinical testing. Allele origin: germline. Affected: yes.
Comment: See Variant Classification Assertion Criteria.

Ambry Genetics
Classification: Likely benign for Familial thoracic aortic aneurysm and aortic dissection. Last evaluated: 2019-03-13. Review status: criteria provided, single submitter. Criteria: Ambry Variant Classification Scheme 2023. Collection method: clinical testing. Allele origin: germline.

PreventionGenetics, part of Exact Sciences
Classification: Likely benign for FBN2-related condition. Last evaluated: 2022-03-16. Review status: no assertion criteria provided. Collection method: clinical testing. Allele origin: germline. Not counted in ClinVar's aggregate classification.
Comment: This variant is classified as likely benign based on ACMG/AMP sequence variant interpretation guidelines (Richards et al. 2015 PMID: 25741868, with internal and published modifications).

Literature cited by the submitters: PubMed 25944730 (cited by Women's Health and Genetics/Laboratory Corporation of America, LabCorp and Ambry Genetics).

NM_001999.4(FBN2):c.7418G>T (p.Arg2473Leu)

Gene: FBN2 (fibrillin 2; minus strand). Cytogenetic location: 5q23.3.
Variant type: single nucleotide variant.
Coding change: c.7418G>T on transcript NM_001999.4 (MANE Select); coding-DNA position 7418, G replaced by T.
Protein change: p.Arg2473Leu; replaces arginine 2473 with leucine.
Molecular consequence: missense variant.
Genome position (GRCh38, 1-based): chr5:128,277,933, C>A on the plus strand (G>T on the coding strand, the complement: FBN2 is on the minus strand). VCF-style: chr5-128277933-C-A. GRCh37 (hg19) VCF-style: chr5-127613625-C-A.
Other names: p.Arg2473Leu; short protein forms R2473L.
Identifiers: ClinVar variation 213427 (VCV000213427.30), dbSNP rs28763925, ClinGen allele CA324383.